The following is an entry in ClinVar:

ClinVar aggregate classification (germline): Uncertain significance. Review status: criteria provided, multiple submitters, no conflicts (2 of 4 stars). 4 submissions from 4 submitters: Uncertain significance (4). Last evaluated 2026-09-08.

Conditions:
Kidney disorder. Also called: Nephropathy; Kidney disease; Kidney Diseases; renal disorder; renal disease. Identifiers: MedGen C0022658, MONDO:0005240, HP:0000112.
Nephronophthisis 11 (NPHP11). Identifiers: Orphanet 84081, MedGen C3150796, MONDO:0013302, OMIM 613550.
Bardet-Biedl syndrome 14 (BBS14). Identifiers: Orphanet 110, MedGen C2673874, MONDO:0014442, OMIM 615991.
RHYNS syndrome. Also called: RETINITIS PIGMENTOSA SYNDROME; RETINITIS PIGMENTOSA, HYPOPITUITARISM, NEPHRONOPHTHISIS, AND MILD SKELETAL DYSPLASIA. Identifiers: Orphanet 140976, MedGen C1865794, MONDO:0011202, OMIM 602152.
Meckel syndrome, type 3 (MKS3). Also called: MECKEL-GRUBER SYNDROME, TYPE 3. Identifiers: Orphanet 564, MedGen C1846357, MONDO:0011821, OMIM 607361.
Joubert syndrome 6 (JBTS6). Identifiers: Orphanet 475, MedGen C1853153, MONDO:0012539, OMIM 610688.
COACH syndrome 1. Identifiers: Orphanet 1454, MedGen C5435651, MONDO:0800103, OMIM 216360, MONDO:0008996.
TMEM67-related disorder. Also called: TMEM67-related disorders; TMEM67-related condition. Identifiers: MedGen CN239423.
Meckel-Gruber syndrome. Also called: DYSENCEPHALIA SPLANCHNOCYSTICA; GRUBER SYNDROME; Dysencephalia splachnocystica. Identifiers: Orphanet 564, MedGen C0265215, MONDO:0018921.
Joubert syndrome. Also called: JOUBERT-BOLTSHAUSER SYNDROME; Familial aplasia of the vermis. Identifiers: Orphanet 475, MedGen C5979921, MONDO:0018772.

Allele frequency attached by ClinVar (database versions not stated): gnomAD exomes 0.00001 and 0.00006; TOPMed 0.00003; ExAC 0.00004; 1000 Genomes Project 30x 0.00031; 1000 Genomes Project 0.00040.
gnomAD v4.1: 26 of 1,604,580 alleles (0.0016%); highest among the groups gnomAD compares: East Asian, 0.04%; no homozygotes.

Submissions (4):

PreventionGenetics, part of Exact Sciences
Classification: Uncertain significance for TMEM67-related condition. Last evaluated: 2026-09-08. Review status: criteria provided, single submitter. Criteria: ACMG Guidelines, 2015. Collection method: clinical testing. Allele origin: germline.
Comment: The TMEM67 c.2634T>G variant is predicted to result in the amino acid substitution p.Asn878Lys. To our knowledge, this variant has not been reported in the literature. This variant is reported in 0.075% of alleles in individuals of East Asian descent in gnomAD. Although we suspect that this variant may be benign, at this time, the clinical significance of this variant is uncertain due to the absence of conclusive functional and genetic evidence.

Labcorp Genetics (formerly Invitae), Labcorp
Classification: Uncertain significance for Joubert syndrome; Meckel-Gruber syndrome. Last evaluated: 2022-07-19. Review status: criteria provided, single submitter. Criteria: Invitae Variant Classification Sherloc (09022015). Collection method: clinical testing. Allele origin: germline.
Comment: This sequence change replaces asparagine, which is neutral and polar, with lysine, which is basic and polar, at codon 878 of the TMEM67 protein (p.Asn878Lys). This variant is present in population databases (rs192288680, gnomAD 0.07%). This variant has not been reported in the literature in individuals affected with TMEM67-related conditions. ClinVar contains an entry for this variant (Variation ID: 1444216). Advanced modeling of protein sequence and biophysical properties (such as structural, functional, and spatial information, amino acid conservation, physicochemical variation, residue mobility, and thermodynamic stability) performed at Invitae indicates that this missense variant is expected to disrupt TMEM67 protein function. In summary, the available evidence is currently insufficient to determine the role of this variant in disease. Therefore, it has been classified as a Variant of Uncertain Significance.

Fulgent Genetics
Classification: Uncertain significance for COACH syndrome 1; RHYNS syndrome; Meckel syndrome, type 3; Joubert syndrome 6; Nephronophthisis 11; Bardet-Biedl syndrome 14. Last evaluated: 2022-02-08. Review status: criteria provided, single submitter. Criteria: ACMG Guidelines, 2015. Collection method: clinical testing. Allele origin: unknown.

Genome Diagnostics Laboratory, The Hospital for Sick Children
Classification: Uncertain significance for Kidney disorder. Last evaluated: 2017-05-01. Review status: criteria provided, single submitter. Criteria: ACMG Guidelines, 2015. Collection method: clinical testing. Allele origin: germline.

NM_153704.6(TMEM67):c.2634T>G (p.Asn878Lys)

Gene: TMEM67 (transmembrane protein 67; plus strand). Cytogenetic location: 8q22.1.
Variant type: single nucleotide variant.
Coding change: c.2634T>G on transcript NM_153704.6 (MANE Select); coding-DNA position 2634, T replaced by G.
Protein change: p.Asn878Lys; replaces asparagine 878 with lysine.
Molecular consequence: missense variant. On other transcripts: non-coding transcript variant (1).
Genome position (GRCh38, 1-based): chr8:93,809,134, T>G. VCF-style: chr8-93809134-T-G. GRCh37 (hg19) VCF-style: chr8-94821362-T-G.
Other names: c.2391T>G, p.Asn797Lys (NM_001142301.1); short protein forms N797K, N878K.
Identifiers: ClinVar variation 1444216 (VCV001444216.7), dbSNP rs192288680, ClinGen allele CA4808354.